The following is an entry in ClinVar:

NM_000051.4(ATM):c.8151+17C>G

Genes: ATM (ATM serine/threonine kinase; plus strand), C11orf65 (chromosome 11 open reading frame 65; minus strand). Cytogenetic location: 11q22.3.
Variant type: single nucleotide variant.
Coding change: c.8151+17C>G on transcript NM_000051.4 (MANE Select); 17 bases into the intron after coding-DNA position 8151, C replaced by G.
Molecular consequence: intron variant.
Genome position (GRCh38, 1-based): chr11:108,335,126, C>G. VCF-style: chr11-108335126-C-G. GRCh37 (hg19) VCF-style: chr11-108205853-C-G.
Other names: c.8151+17C>G (NM_001351834.2); c.641-26055G>C (NM_001330368.2); c.*38+94G>C (NM_001351110.2).
Identifiers: ClinVar variation 560760 (VCV000560760.14), dbSNP rs761029795, ClinGen allele CA6266282.

ClinVar aggregate classification (germline): Benign/Likely benign. Review status: criteria provided, multiple submitters, no conflicts (2 of 4 stars). 5 submissions from 5 submitters: Benign (1); Likely benign (4). Last evaluated 2026-01-05.

Conditions:
Hereditary cancer-predisposing syndrome. Also called: Hereditary Cancer Syndrome; Neoplastic Syndromes, Hereditary; Tumor predisposition; Hereditary neoplastic syndrome. Identifiers: Orphanet 140162, MedGen C0027672, MeSH D009386, MONDO:0015356.
Ataxia-telangiectasia syndrome (AT). Also called: Cerebello-oculocutaneous telangiectasia; Immunodeficiency with ataxia telangiectasia; Ataxia-telangiectasia, complementation group E; Ataxia-telangiectasia, complementation group D; AT, COMPLEMENTATION GROUP C; ATAXIA-TELANGIECTASIA, COMPLEMENTATION GROUP A. Identifiers: Orphanet 100, MedGen C0004135, MONDO:0008840, OMIM 208900.

Allele frequency attached by ClinVar (database versions not stated): gnomAD exomes below 0.00001 and 0.00001; TOPMed below 0.00001; ExAC 0.00001.
gnomAD v4.1: 5 of 1,613,958 alleles (0.00031%); highest among the groups gnomAD compares: Admixed American, 0.005%; no homozygotes.

Submissions (5):

Labcorp Genetics (formerly Invitae), Labcorp
Classification: Likely benign for Ataxia-telangiectasia syndrome. Last evaluated: 2026-01-05. Review status: criteria provided, single submitter. Criteria: Invitae Variant Classification Sherloc (09022015). Collection method: clinical testing. Allele origin: germline.

Molecular Diagnostics Laboratory, Catalan Institute of Oncology
Classification: Likely benign for Hereditary cancer-predisposing syndrome. Last evaluated: 2024-09-08. Review status: criteria provided, single submitter. Criteria: ClinGen ACMG Specifications ATM V1.1.0. Collection method: clinical testing. Allele origin: germline.
Comment: BP4, BP7 c.8151+17C>G, is an intronic variant not very close to a canonical splice site, where the SpliceAI algorithm predicts no significant impact on splicing (BP4 and BP7). This variant is found in 3/268009 alleles at a frequency of 0.001% in the gnomAD v2.1.1 database, non-cancer dataset. To our knowledge, neither relevant clinical data nor well-stablished functional studies have been reported for this variant. In addition, the variant has been identified in the ClinVar database (1x benign, 3x likely benign), but it is not present in the LOVD database. Based on currently available information, the variant c.8151+17C>G should be considered a likely benign variant.

PreventionGenetics, part of Exact Sciences
Classification: Likely benign. Last evaluated: 2018-01-17. Review status: criteria provided, single submitter. Criteria: ACMG Guidelines, 2015. Collection method: clinical testing. Allele origin: germline.

Color Diagnostics, LLC DBA Color Health
Classification: Likely benign for Hereditary cancer-predisposing syndrome. Last evaluated: 2017-08-09. Review status: criteria provided, single submitter. Criteria: ACMG Guidelines, 2015. Collection method: clinical testing. Allele origin: germline.

GeneDx
Classification: Benign. Last evaluated: 2015-03-03. Review status: criteria provided, single submitter. Criteria: GeneDx Variant Classification Process June 2021. Collection method: clinical testing. Allele origin: germline. Affected: yes.